The following is an entry in ClinVar:

NM_014845.6(FIG4):c.164G>A (p.Arg55Lys)

Gene: FIG4 (FIG4 phosphoinositide 5-phosphatase; plus strand). Cytogenetic location: 6q21.
Variant type: single nucleotide variant.
Coding change: c.164G>A on transcript NM_014845.6 (MANE Select); coding-DNA position 164, G replaced by A.
Protein change: p.Arg55Lys; replaces arginine 55 with lysine.
Molecular consequence: missense variant.
Genome position (GRCh38, 1-based): chr6:109,715,175, G>A. VCF-style: chr6-109715175-G-A. GRCh37 (hg19) VCF-style: chr6-110036378-G-A.
Other names: short protein forms R55K.
Identifiers: ClinVar variation 3031557 (VCV003031557.2), dbSNP rs2486082620, ClinGen allele CA365211730.
Genomic context (GRCh38, chr6:109,715,175, plus strand): 5'-AATATCGTGTCTTGAAGATTGATAGAACAGAACCAAAAGATTTGGTCATAATTGATGACA[G>A]GGTAAGTATCCTCCAAACCTGACTGCAAAAAAACTTTCATACCTGTTGTTTAAAGGACAT-3'
Protein context (NP_055660.1, residues 45-65): EPKDLVIIDD[Arg55Lys]HVYTQQEVRE

ClinVar aggregate classification (germline): Uncertain significance (0 of 4 stars; one submission).

Conditions:
FIG4-related disorder. Also called: FIG4-related condition; FIG4-related disorders.

Submission:

PreventionGenetics, part of Exact Sciences
Classification: Uncertain significance for FIG4-related condition. Last evaluated: 2023-12-22. Review status: no assertion criteria provided. Collection method: clinical testing. Allele origin: germline.
Comment: The FIG4 c.164G>A variant is predicted to result in the amino acid substitution p.Arg55Lys. To our knowledge, this variant has not been reported in the literature or in a large population database, indicating this variant is rare. At this time, the clinical significance of this variant is uncertain due to the absence of conclusive functional and genetic evidence.